The following is an entry in ClinVar:

ClinVar aggregate classification (germline): Uncertain significance (1 of 4 stars; one submission).

Conditions:
Hereditary cancer-predisposing syndrome. Also called: Hereditary Cancer Syndrome; Hereditary neoplastic syndrome; Neoplastic Syndromes, Hereditary; Tumor predisposition. Identifiers: Orphanet 140162, MedGen C0027672, MeSH D009386, MONDO:0015356.

Submission:

Ambry Genetics
Classification: Uncertain significance for Hereditary cancer-predisposing syndrome. Last evaluated: 2020-10-27. Review status: criteria provided, single submitter. Criteria: Ambry Variant Classification Scheme 2023. Collection method: clinical testing. Allele origin: germline.
Comment: The p.I183L variant (also known as c.547A>C), located in coding exon 6 of the BMPR1A gene, results from an A to C substitution at nucleotide position 547. The isoleucine at codon 183 is replaced by leucine, an amino acid with highly similar properties. This amino acid position is not well conserved in available vertebrate species. In addition, this alteration is predicted to be tolerated by in silico analysis. Since supporting evidence is limited at this time, the clinical significance of this alteration remains unclear.

NM_004329.3(BMPR1A):c.547A>C (p.Ile183Leu)

Gene: BMPR1A (bone morphogenetic protein receptor type 1A; plus strand). Cytogenetic location: 10q23.2.
Variant type: single nucleotide variant.
Coding change: c.547A>C on transcript NM_004329.3 (MANE Select); coding-DNA position 547, A replaced by C.
Protein change: p.Ile183Leu; replaces isoleucine 183 with leucine.
Molecular consequence: missense variant.
Genome position (GRCh38, 1-based): chr10:86,912,256, A>C. VCF-style: chr10-86912256-A-C. GRCh37 (hg19) VCF-style: chr10-88672013-A-C.
Other names: c.595A>C, p.Ile199Leu (NM_001406560.1); c.547A>C, p.Ile183Leu (NM_001406564.1, NM_001406566.1, NM_001406565.1 and 20 more transcripts); c.622A>C, p.Ile208Leu (NM_001406559.1); c.463A>C, p.Ile155Leu (NM_001406584.1, NM_001406585.1, NM_001406586.1 and 2 more transcripts); short protein forms I155L, I199L, I208L, I183L.
Identifiers: ClinVar variation 1747777 (VCV001747777.2), dbSNP rs935076000, ClinGen allele CA377454195.